The following is an entry in ClinVar:

NM_000222.3(KIT):c.2597-8T>C

Gene: KIT (KIT proto-oncogene, receptor tyrosine kinase; plus strand). Cytogenetic location: 4q12.
Variant type: single nucleotide variant.
Coding change: c.2597-8T>C on transcript NM_000222.3 (MANE Select); 8 bases into the intron before coding-DNA position 2597, T replaced by C.
Molecular consequence: intron variant.
Genome position (GRCh38, 1-based): chr4:54,736,713, T>C. VCF-style: chr4-54736713-T-C. GRCh37 (hg19) VCF-style: chr4-55602879-T-C.
Other names: c.2600-8T>C (NM_001385284.1); c.2597-8T>C (NM_001385290.1); c.2588-8T>C (NM_001385288.1); c.2585-8T>C (NM_001385292.1, NM_001093772.2); c.2594-8T>C (NM_001385285.1); c.2582-8T>C (NM_001385286.1).
Identifiers: ClinVar variation 4875929 (VCV004875929.1).

ClinVar aggregate classification (germline): Likely benign (1 of 4 stars; one submission).

Conditions:
Gastrointestinal stromal tumor. Also called: Gastrointestinal stromal tumor, somatic; Gastrointestinal stroma tumor. Identifiers: Orphanet 44890, MedGen C0238198, MeSH D046152, MONDO:0011719, OMIM 606764, HP:0100723.

Submission:

Myriad Genetics, Inc.
Classification: Likely benign for Gastrointestinal stromal tumor. Last evaluated: 2026-06-01. Review status: criteria provided, single submitter. Criteria: Myriad Autosomal Dominant, Autosomal Recessive and X-Linked Classification Criteria (2023). Collection method: clinical testing. Allele origin: unknown.
Comment: This variant is considered likely benign. This variant is intronic and is not expected to impact mRNA splicing.